The following is an entry in ClinVar:

ClinVar aggregate classification (germline): Uncertain significance. Review status: criteria provided, multiple submitters, no conflicts (2 of 4 stars). 3 submissions from 3 submitters: Uncertain significance (3). Last evaluated 2023-03-06.

Conditions:
Myopathy, centronuclear, 5 (CNM5). Identifiers: Orphanet 169186, MedGen C4014814, MONDO:0014418, OMIM 615959.

gnomAD v4.1: 20 of 1,613,608 alleles (0.0012%); highest among the groups gnomAD compares: Admixed American, 0.0033%; no homozygotes.

Submissions (3):

Revvity Omics, Revvity
Classification: Uncertain significance for Myopathy, centronuclear, 5. Last evaluated: 2023-03-06. Review status: criteria provided, single submitter. Criteria: ACMG Guidelines, 2015. Collection method: clinical testing. Allele origin: germline.

Mayo Clinic Laboratories, Mayo Clinic
Classification: Uncertain significance. Last evaluated: 2022-03-28. Review status: criteria provided, single submitter. Criteria: ACMG Guidelines, 2015. Collection method: clinical testing. Allele origin: germline. Observed: 1 variant allele.
Comment: BP4, PM2

Labcorp Genetics (formerly Invitae), Labcorp
Classification: Uncertain significance. Last evaluated: 2022-03-01. Review status: criteria provided, single submitter. Criteria: Invitae Variant Classification Sherloc (09022015). Collection method: clinical testing. Allele origin: germline.
Comment: This sequence change replaces glutamine, which is neutral and polar, with lysine, which is basic and polar, at codon 2233 of the SPEG protein (p.Gln2233Lys). This variant is present in population databases (rs587777672, gnomAD 0.006%). This variant has not been reported in the literature in individuals affected with SPEG-related conditions. Algorithms developed to predict the effect of missense changes on protein structure and function (SIFT, PolyPhen-2, Align-GVGD) all suggest that this variant is likely to be tolerated. In summary, the available evidence is currently insufficient to determine the role of this variant in disease. Therefore, it has been classified as a Variant of Uncertain Significance.

NM_005876.5(SPEG):c.6697C>A (p.Gln2233Lys)

Genes: ASIC4-AS1 (ASIC4 antisense RNA 1; minus strand), SPEG (striated muscle enriched protein kinase; plus strand). Cytogenetic location: 2q35.
Variant type: single nucleotide variant.
Coding change: c.6697C>A on transcript NM_005876.5 (MANE Select); coding-DNA position 6697, C replaced by A.
Protein change: p.Gln2233Lys; replaces glutamine 2233 with lysine.
Molecular consequence: missense variant.
Genome position (GRCh38, 1-based): chr2:219,484,160, C>A. VCF-style: chr2-219484160-C-A. GRCh37 (hg19) VCF-style: chr2-220348882-C-A.
Other names: p.Gln2233Lys; c.6697C>A (NM_005876.4); short protein forms Q2233K.
Identifiers: ClinVar variation 1512235 (VCV001512235.8), dbSNP rs587777672, ClinGen allele CA2127094.